The following is an entry in ClinVar:

ClinVar aggregate classification (germline): Uncertain significance (1 of 4 stars; one submission).

Allele frequency attached by ClinVar (database versions not stated): gnomAD exomes below 0.00001; ExAC 0.00001.
gnomAD v4.1: 5 of 1,613,952 alleles (0.00031%); highest among the groups gnomAD compares: Non-Finnish European, 0.00042%; no homozygotes.

Submission:

Labcorp Genetics (formerly Invitae), Labcorp
Classification: Uncertain significance. Last evaluated: 2024-01-22. Review status: criteria provided, single submitter. Criteria: Invitae Variant Classification Sherloc (09022015). Collection method: clinical testing. Allele origin: germline.
Comment: This sequence change replaces glycine, which is neutral and non-polar, with aspartic acid, which is acidic and polar, at codon 593 of the VAV1 protein (p.Gly593Asp). This variant is present in population databases (rs774824315, gnomAD 0.002%). This variant has not been reported in the literature in individuals affected with VAV1-related conditions. An algorithm developed to predict the effect of missense changes on protein structure and function (PolyPhen-2) suggests that this variant is likely to be disruptive. In summary, the available evidence is currently insufficient to determine the role of this variant in disease. Therefore, it has been classified as a Variant of Uncertain Significance.

NM_005428.4(VAV1):c.1778G>A (p.Gly593Asp)

Gene: VAV1 (vav guanine nucleotide exchange factor 1; plus strand). Cytogenetic location: 19p13.3.
Variant type: single nucleotide variant.
Coding change: c.1778G>A on transcript NM_005428.4 (MANE Select); coding-DNA position 1778, G replaced by A.
Protein change: p.Gly593Asp; replaces glycine 593 with aspartic acid.
Molecular consequence: missense variant.
Genome position (GRCh38, 1-based): chr19:6,836,432, G>A. VCF-style: chr19-6836432-G-A. GRCh37 (hg19) VCF-style: chr19-6836443-G-A.
Other names: c.1778G>A, p.Gly593Asp (NM_001258206.2); c.1682G>A, p.Gly561Asp (NM_001258207.2); short protein forms G561D, G593D.
Identifiers: ClinVar variation 2743104 (VCV002743104.3), dbSNP rs774824315, ClinGen allele CA9132750.